The following is an entry in ClinVar:

ClinVar aggregate classification (germline): Uncertain significance (1 of 4 stars; one submission).

Conditions:
Inborn genetic diseases. Identifiers: MedGen C0950123, MeSH D030342.

Submission:

Ambry Genetics
Classification: Uncertain significance for Inborn genetic diseases. Last evaluated: 2024-07-13. Review status: criteria provided, single submitter. Criteria: Ambry Variant Classification Scheme 2023. Collection method: clinical testing. Allele origin: germline.
Comment: The p.I586N variant (also known as c.1757T>A), located in coding exon 8 of the ATR gene, results from a T to A substitution at nucleotide position 1757. The isoleucine at codon 586 is replaced by asparagine, an amino acid with dissimilar properties. This amino acid position is conserved. In addition, this alteration is predicted to be tolerated by in silico analysis. Based on the available evidence, the clinical significance of this variant remains unclear.

NM_001184.4(ATR):c.1757T>A (p.Ile586Asn)

Gene: ATR (ATR serine/threonine kinase; minus strand). Cytogenetic location: 3q23.
Variant type: single nucleotide variant.
Coding change: c.1757T>A on transcript NM_001184.4 (MANE Select); coding-DNA position 1757, T replaced by A.
Protein change: p.Ile586Asn; replaces isoleucine 586 with asparagine.
Molecular consequence: missense variant.
Genome position (GRCh38, 1-based): chr3:142,558,752, A>T on the plus strand (T>A on the coding strand, the complement: ATR is on the minus strand). VCF-style: chr3-142558752-A-T. GRCh37 (hg19) VCF-style: chr3-142277594-A-T.
Other names: c.1565T>A, p.Ile522Asn (NM_001354579.2); short protein forms I586N, I522N.
Identifiers: ClinVar variation 3461987 (VCV003461987.1).